The following is an entry in ClinVar:

NM_001367721.1(CASK):c.2040-8T>A

Gene: CASK (calcium/calmodulin dependent serine protein kinase; minus strand). Cytogenetic location: Xp11.4.
Variant type: single nucleotide variant.
Coding change: c.2040-8T>A on transcript NM_001367721.1 (MANE Select); 8 bases into the intron before coding-DNA position 2040, T replaced by A.
Molecular consequence: intron variant.
Genome position (GRCh38, 1-based): chrX:41,542,814, A>T on the plus strand (T>A on the coding strand, the complement: CASK is on the minus strand). VCF-style: chrX-41542814-A-T. GRCh37 (hg19) VCF-style: chrX-41402067-A-T.
Other names: c.1953-8T>A (NM_001126055.3); c.2022-8T>A (NM_001410745.1); c.1971-8T>A (NM_001126054.3); c.2040-8T>A (NM_003688.4).
Identifiers: ClinVar variation 3901613 (VCV003901613.1).

ClinVar aggregate classification (germline): Uncertain significance (1 of 4 stars; one submission).

Submission:

GeneDx
Classification: Uncertain significance. Last evaluated: 2024-11-26. Review status: criteria provided, single submitter. Criteria: GeneDx Variant Classification Process June 2021. Collection method: clinical testing. Allele origin: germline. Affected: yes.
Comment: Not observed at significant frequency in large population cohorts (gnomAD); In silico analysis supports a deleterious effect on splicing; Has not been previously published as pathogenic or benign to our knowledge